The following is an entry in ClinVar:

NM_005051.3(QARS1):c.17C>T (p.Ser6Phe)

Genes: QARS1 (glutaminyl-tRNA synthetase 1; minus strand), LOC129936736 (ATAC-STARR-seq lymphoblastoid active region 19853; plus strand). Cytogenetic location: 3p21.31.
Variant type: single nucleotide variant.
Coding change: c.17C>T on transcript NM_005051.3 (MANE Select); coding-DNA position 17, C replaced by T.
Protein change: p.Ser6Phe; replaces serine 6 with phenylalanine.
Molecular consequence: missense variant. On other transcripts: non-coding transcript variant (1).
Genome position (GRCh38, 1-based): chr3:49,104,717, G>A on the plus strand (C>T on the coding strand, the complement: QARS1 is on the minus strand). VCF-style: chr3-49104717-G-A. GRCh37 (hg19) VCF-style: chr3-49142150-G-A.
Other names: c.17C>T, p.Ser6Phe (NM_001272073.2); short protein forms S6F.
Identifiers: ClinVar variation 1198138 (VCV001198138.7), dbSNP rs2107115484, ClinGen allele CA352724317.

ClinVar aggregate classification (germline): Uncertain significance. Review status: criteria provided, multiple submitters, no conflicts (2 of 4 stars). 2 submissions from 2 submitters: Uncertain significance (2). Last evaluated 2021-08-27.

Conditions:
Diffuse cerebral and cerebellar atrophy - intractable seizures - progressive microcephaly syndrome. Also called: Microcephaly, progressive, with seizures and cerebral and cerebellar atrophy. Identifiers: Orphanet 404437, MedGen C4014239, MONDO:0014335, OMIM 615760.

Submissions (2):

Labcorp Genetics (formerly Invitae), Labcorp
Classification: Uncertain significance for Diffuse cerebral and cerebellar atrophy - intractable seizures - progressive microcephaly syndrome. Last evaluated: 2021-08-27. Review status: criteria provided, single submitter. Criteria: Invitae Variant Classification Sherloc (09022015). Collection method: clinical testing. Allele origin: germline.
Comment: This sequence change replaces serine with phenylalanine at codon 6 of the QARS protein (p.Ser6Phe). The serine residue is weakly conserved and there is a large physicochemical difference between serine and phenylalanine. This variant is not present in population databases (ExAC no frequency). This variant has not been reported in the literature in individuals affected with QARS-related conditions. Algorithms developed to predict the effect of missense changes on protein structure and function (SIFT, PolyPhen-2, Align-GVGD) all suggest that this variant is likely to be tolerated. In summary, the available evidence is currently insufficient to determine the role of this variant in disease. Therefore, it has been classified as a Variant of Uncertain Significance.

GeneDx
Classification: Uncertain significance. Last evaluated: 2020-04-02. Review status: criteria provided, single submitter. Criteria: GeneDx Variant Classification Process June 2021. Collection method: clinical testing. Allele origin: germline. Affected: yes.
Comment: Not observed in large population cohorts (Lek et al., 2016); In silico analysis supports that this missense variant does not alter protein structure/function; Has not been previously published as pathogenic or benign to our knowledge